The following is an entry in ClinVar:

NM_020822.3(KCNT1):c.1338-2A>C

Gene: KCNT1 (potassium sodium-activated channel subfamily T member 1; plus strand). Cytogenetic location: 9q34.3.
Variant type: single nucleotide variant.
Coding change: c.1338-2A>C on transcript NM_020822.3 (MANE Select); the canonical splice acceptor site of the intron before coding-DNA position 1338, A replaced by C.
Molecular consequence: splice acceptor variant.
Genome position (GRCh38, 1-based): chr9:135,768,608, A>C. VCF-style: chr9-135768608-A-C. GRCh37 (hg19) VCF-style: chr9-138660454-A-C.
Other names: c.1203-2A>C (NM_001272003.2).
Identifiers: ClinVar variation 2080324 (VCV002080324.4), dbSNP rs2490941606, ClinGen allele CA375504504.

ClinVar aggregate classification (germline): Uncertain significance (1 of 4 stars; one submission).

Conditions:
Autosomal dominant nocturnal frontal lobe epilepsy 5. Also called: CILIARY DYSKINESIA, PRIMARY, 28, WITHOUT SITUS INVERSUS; CILIARY DYSKINESIA, PRIMARY, 28, WITH SITUS INVERSUS; Epilepsy, nocturnal frontal lobe, 5; KCNT1-Related Epilepsy. Identifiers: Orphanet 98784, MedGen C3554306, MONDO:0014002, OMIM 615005.
Developmental and epileptic encephalopathy, 14 (DEE14). Also called: Early infantile epileptic encephalopathy 14. Identifiers: Orphanet 293181, MedGen C3554195, MONDO:0013989, OMIM 614959.

Submission:

Labcorp Genetics (formerly Invitae), Labcorp
Classification: Uncertain significance for Autosomal dominant nocturnal frontal lobe epilepsy 5; Developmental and epileptic encephalopathy, 14. Last evaluated: 2025-08-21. Review status: criteria provided, single submitter. Criteria: Invitae Variant Classification Sherloc (09022015). Collection method: clinical testing. Allele origin: germline.
Comment: This sequence change affects an acceptor splice site in intron 13 of the KCNT1 gene. It is expected to disrupt RNA splicing. Variants that disrupt the donor or acceptor splice site typically lead to a loss of protein function (PMID: 16199547), however the current clinical and genetic evidence is not sufficient to establish whether loss-of-function variants in KCNT1 cause disease. This variant is not present in population databases (gnomAD no frequency). This variant has not been reported in the literature in individuals affected with KCNT1-related conditions. ClinVar contains an entry for this variant (Variation ID: 2080324). Algorithms developed to predict the effect of sequence changes on RNA splicing suggest that this variant may disrupt the consensus splice site. In summary, the available evidence is currently insufficient to determine the role of this variant in disease. Therefore, it has been classified as a Variant of Uncertain Significance.

Literature cited by the submitters: PubMed 16199547.